The following is an entry in ClinVar:

NM_001470.4(GABBR1):c.39C>T (p.Arg13=)

Gene: GABBR1 (gamma-aminobutyric acid type B receptor subunit 1; minus strand). Cytogenetic location: 6p22.1.
Variant type: single nucleotide variant.
Coding change: c.39C>T on transcript NM_001470.4 (MANE Select); coding-DNA position 39, C replaced by T.
Protein change: p.Arg13=; no amino-acid change (arginine 13 retained).
Molecular consequence: synonymous variant. On other transcripts: 5 prime UTR variant (1).
Genome position (GRCh38, 1-based): chr6:29,632,347, G>A on the plus strand (C>T on the coding strand, the complement: GABBR1 is on the minus strand). VCF-style: chr6-29632347-G-A. GRCh37 (hg19) VCF-style: chr6-29600124-G-A.
Other names: c.-429C>T (NM_001319053.2); c.39C>T, p.Arg13= (NM_021904.4).
Identifiers: ClinVar variation 708773 (VCV000708773.29), dbSNP rs56034620, ClinGen allele CA3690341.

ClinVar aggregate classification (germline): Likely benign. Review status: criteria provided, multiple submitters, no conflicts (2 of 4 stars). 3 submissions from 3 submitters: Likely benign (3). Last evaluated 2025-12-01.

Allele frequency attached by ClinVar (database versions not stated): 1000 Genomes Project 0.00280; ESP Exome Variant Server 0.00340; 1000 Genomes Project 30x 0.00359; TOPMed 0.00496.
gnomAD v4.1: 4,472 of 1,362,926 alleles (0.33%); highest among the groups gnomAD compares: Middle Eastern, 0.85%; 19 homozygotes.

Submissions (3):

CeGaT Center for Human Genetics Tuebingen
Classification: Likely benign. Last evaluated: 2025-12-01. Review status: criteria provided, single submitter. Criteria: CeGaT Center For Human Genetics Tuebingen Variant Classification Criteria Version 2. Collection method: clinical testing. Allele origin: germline. Affected: yes. Observed: 2 variant alleles.
Comment: GABBR1: BP4, BP7, BS2

Labcorp Genetics (formerly Invitae), Labcorp
Classification: Likely benign. Last evaluated: 2019-12-31. Review status: criteria provided, single submitter. Criteria: Invitae Variant Classification Sherloc (09022015). Collection method: clinical testing. Allele origin: germline.

Breakthrough Genomics
Classification: Likely benign. Review status: criteria provided, single submitter. Criteria: ACMG Guidelines, 2015. Collection method: not provided. Allele origin: germline. Inheritance: Unknown mechanism. Affected: yes.